The following is an entry in ClinVar:

ClinVar aggregate classification (germline): Uncertain significance (1 of 4 stars; one submission).

Submission:

GeneDx
Classification: Uncertain significance. Last evaluated: 2018-05-18. Review status: criteria provided, single submitter. Criteria: GeneDx Variant Classification (06012015). Collection method: clinical testing. Allele origin: germline. Affected: yes.
Comment: The Y54H variant in the CEACAM16 gene has not been reported previously as a pathogenic variant, nor as a benign variant, to our knowledge. The Y54H variant is not observed in large population cohorts (Lek et al., 2016). The Y54H variant is a non-conservative amino acid substitution, which is likely to impact secondary protein structure as these residues differ in polarity, charge, size and/or other properties. In-silico analyses, including protein predictors and evolutionary conservation, support a deleterious effect. We interpret Y54H as a variant of uncertain significance.

NM_001039213.4(CEACAM16):c.160T>C (p.Tyr54His)

Genes: CEACAM16 (CEA cell adhesion molecule 16, tectorial membrane component; plus strand), CEACAM16-AS1 (CEACAM16, CEACAM19 and PVR antisense RNA 1; minus strand). Cytogenetic location: 19q13.32.
Variant type: single nucleotide variant.
Coding change: c.160T>C on transcript NM_001039213.4 (MANE Select); coding-DNA position 160, T replaced by C.
Protein change: p.Tyr54His; replaces tyrosine 54 with histidine.
Molecular consequence: missense variant.
Genome position (GRCh38, 1-based): chr19:44,703,471, T>C. VCF-style: chr19-44703471-T-C. GRCh37 (hg19) VCF-style: chr19-45206741-T-C.
Other names: short protein forms Y54H.
Identifiers: ClinVar variation 546236 (VCV000546236.2), dbSNP rs760535948, ClinGen allele CA406287423.